The following is an entry in ClinVar:

ClinVar aggregate classification (germline): Uncertain significance (1 of 4 stars; one submission).

Conditions:
Tay-Sachs disease, variant AB. Also called: Gm2-gangliosidosis, ab variant; GM2 Activator Deficiency. Identifiers: Orphanet 309246, MedGen C0268275, MONDO:0010099, OMIM 272750.

Allele frequency attached by ClinVar (database versions not stated): gnomAD exomes below 0.00001.
gnomAD v4.1: 2 of 1,614,184 alleles (0.00012%); highest among the groups gnomAD compares: East Asian, 0.0022%; no homozygotes.

Submission:

Labcorp Genetics (formerly Invitae), Labcorp
Classification: Uncertain significance for Tay-Sachs disease, variant AB. Last evaluated: 2023-10-05. Review status: criteria provided, single submitter. Criteria: Invitae Variant Classification Sherloc (09022015). Collection method: clinical testing. Allele origin: germline.
Comment: This sequence change replaces serine, which is neutral and polar, with asparagine, which is neutral and polar, at codon 175 of the GM2A protein (p.Ser175Asn). This variant is not present in population databases (gnomAD no frequency). This variant has not been reported in the literature in individuals affected with GM2A-related conditions. An algorithm developed to predict the effect of missense changes on protein structure and function (PolyPhen-2) suggests that this variant is likely to be disruptive. In summary, the available evidence is currently insufficient to determine the role of this variant in disease. Therefore, it has been classified as a Variant of Uncertain Significance.

NM_000405.5(GM2A):c.524G>A (p.Ser175Asn)

Gene: GM2A (ganglioside GM2 activator; plus strand). Cytogenetic location: 5q33.1.
Variant type: single nucleotide variant.
Coding change: c.524G>A on transcript NM_000405.5 (MANE Select); coding-DNA position 524, G replaced by A.
Protein change: p.Ser175Asn; replaces serine 175 with asparagine.
Molecular consequence: missense variant. On other transcripts: intron variant (1).
Genome position (GRCh38, 1-based): chr5:151,267,393, G>A. VCF-style: chr5-151267393-G-A. GRCh37 (hg19) VCF-style: chr5-150646954-G-A.
Other names: c.413-99G>A (NM_001167607.3); short protein forms S175N.
Identifiers: ClinVar variation 2766144 (VCV002766144.3), dbSNP rs2531757769, ClinGen allele CA361808696.
Genomic context (GRCh38, chr5:151,267,393, plus strand): 5'-CTGACCTGGAGCTGCCCAGTTGGCTCACCACCGGGAACTACCGCATAGAGAGCGTCCTGA[G>A]CAGCAGTGGGAAGCGTCTGGGCTGCATCAAGATCGCTGCCTCTCTAAAGGGCATATAACA-3'
Protein context (NP_000396.2, residues 165-185): TGNYRIESVL[Ser175Asn]SSGKRLGCIK